The following is an entry in ClinVar:

ClinVar aggregate classification (germline): Uncertain significance (1 of 4 stars; one submission).

Conditions:
Gorlin syndrome. Also called: Nevoid Basal Cell Carcinoma Syndrome; Basal cell nevus syndrome. Identifiers: Orphanet 377, MedGen C0004779, MONDO:0007187.

gnomAD v4.1: 3 of 1,614,206 alleles (0.00019%); highest among the groups gnomAD compares: Non-Finnish European, 0.00025%; no homozygotes.

Submission:

Labcorp Genetics (formerly Invitae), Labcorp
Classification: Uncertain significance for Gorlin syndrome. Last evaluated: 2025-08-31. Review status: criteria provided, single submitter. Criteria: Invitae Variant Classification Sherloc (09022015). Collection method: clinical testing. Allele origin: germline.
Comment: This sequence change replaces glycine, which is neutral and non-polar, with arginine, which is basic and polar, at codon 470 of the PTCH1 protein (p.Gly470Arg). This variant is not present in population databases (gnomAD no frequency). This variant has not been reported in the literature in individuals affected with PTCH1-related conditions. Invitae Evidence Modeling of protein sequence and biophysical properties (such as structural, functional, and spatial information, amino acid conservation, physicochemical variation, residue mobility, and thermodynamic stability) indicates that this missense variant is expected to disrupt PTCH1 protein function with a positive predictive value of 80%. In summary, the available evidence is currently insufficient to determine the role of this variant in disease. Therefore, it has been classified as a Variant of Uncertain Significance.

NM_000264.5(PTCH1):c.1408G>C (p.Gly470Arg)

Gene: PTCH1 (patched 1; minus strand). Cytogenetic location: 9q22.32.
Variant type: single nucleotide variant.
Coding change: c.1408G>C on transcript NM_000264.5 (MANE Select); coding-DNA position 1408, G replaced by C.
Protein change: p.Gly470Arg; replaces glycine 470 with arginine.
Molecular consequence: missense variant. On other transcripts: non-coding transcript variant (1), intron variant (1).
Genome position (GRCh38, 1-based): chr9:95,477,642, C>G on the plus strand (G>C on the coding strand, the complement: PTCH1 is on the minus strand). VCF-style: chr9-95477642-C-G. GRCh37 (hg19) VCF-style: chr9-98239924-C-G.
Other names: c.1210G>C, p.Gly404Arg (NM_001083602.3); c.1405G>C, p.Gly469Arg (NM_001083603.3); c.955G>C, p.Gly319Arg (NM_001083604.3, NM_001083605.3, NM_001083606.3 and 1 more transcripts); c.1347+413G>C (NM_001354918.2); short protein forms G319R, G404R, G469R, G470R.
Identifiers: ClinVar variation 4801804 (VCV004801804.1).
Genomic context (GRCh38, chr9:95,477,642, plus strand): 5'-ATGAGCACAGGCCCAGTCCTGCAGCCACTGACAGTGCAACCAGCAGGACGCCAGCCAGCC[C>G]CACGGCACCCTGGGACTTGGAGCAGTCCCAGCGCAGCATGGTTAGACAGGCATAGGCGAG-3'
Protein context (NP_000255.2, residues 460-480): WDCSKSQGAV[Gly470Arg]LAGVLLVALS